The following is an entry in ClinVar:

NM_004168.4(SDHA):c.1000G>A (p.Ala334Thr)

Gene: SDHA (succinate dehydrogenase complex flavoprotein subunit A; plus strand). Cytogenetic location: 5p15.33.
Variant type: single nucleotide variant.
Coding change: c.1000G>A on transcript NM_004168.4 (MANE Select); coding-DNA position 1000, G replaced by A.
Protein change: p.Ala334Thr; replaces alanine 334 with threonine.
Molecular consequence: missense variant.
Genome position (GRCh38, 1-based): chr5:233,581, G>A. VCF-style: chr5-233581-G-A. GRCh37 (hg19) VCF-style: chr5-233696-G-A.
Other names: c.856G>A, p.Ala286Thr (NM_001294332.2); c.1000G>A, p.Ala334Thr (NM_001330758.2); short protein forms A334T, A286T.
Identifiers: ClinVar variation 472292 (VCV000472292.15), dbSNP rs1401459296, ClinGen allele CA359012819.

ClinVar aggregate classification (germline): Uncertain significance. Review status: criteria provided, multiple submitters, no conflicts (2 of 4 stars). 3 submissions from 3 submitters: Uncertain significance (3). Last evaluated 2025-12-26.

Conditions:
Mitochondrial complex II deficiency, nuclear type 1. Also called: SUCCINATE CoQ REDUCTASE DEFICIENCY. Identifiers: Orphanet 3208, MedGen C5700310, MONDO:0100294, OMIM 252011.
Pheochromocytoma/paraganglioma syndrome 5. Also called: Paragangliomas 5; SDHA-Related Hereditary Paraganglioma-Pheochromocytoma Syndrome. Identifiers: Orphanet 29072, MedGen C3279992, MONDO:0013602, OMIM 614165.
Dilated cardiomyopathy 1GG (CMD1GG). Identifiers: Orphanet 154, MedGen C3150898, MONDO:0013339, OMIM 613642.
Hereditary cancer-predisposing syndrome. Also called: Neoplastic Syndromes, Hereditary; Hereditary Cancer Syndrome; Hereditary neoplastic syndrome; Tumor predisposition. Identifiers: Orphanet 140162, MedGen C0027672, MeSH D009386, MONDO:0015356.

Allele frequency attached by ClinVar (database versions not stated): gnomAD exomes below 0.00001 and 0.00001; gnomAD 0.00001; TOPMed 0.00001.
gnomAD v4.1: 12 of 1,614,066 alleles (0.00074%); highest among the groups gnomAD compares: East Asian, 0.0045%; no homozygotes.

Submissions (3):

Labcorp Genetics (formerly Invitae), Labcorp
Classification: Uncertain significance for Pheochromocytoma/paraganglioma syndrome 5; Mitochondrial complex II deficiency, nuclear type 1. Last evaluated: 2025-12-26. Review status: criteria provided, single submitter. Criteria: Invitae Variant Classification Sherloc (09022015). Collection method: clinical testing. Allele origin: germline.
Comment: This sequence change replaces alanine, which is neutral and non-polar, with threonine, which is neutral and polar, at codon 334 of the SDHA protein (p.Ala334Thr). This variant is present in population databases (no rsID available, gnomAD 0.003%). This variant has not been reported in the literature in individuals affected with SDHA-related conditions. ClinVar contains an entry for this variant (Variation ID: 472292). Invitae Evidence Modeling of protein sequence and biophysical properties (such as structural, functional, and spatial information, amino acid conservation, physicochemical variation, residue mobility, and thermodynamic stability) indicates that this missense variant is not expected to disrupt SDHA protein function with a negative predictive value of 95%. In summary, the available evidence is currently insufficient to determine the role of this variant in disease. Therefore, it has been classified as a Variant of Uncertain Significance.

Ambry Genetics
Classification: Uncertain significance for Hereditary cancer-predisposing syndrome. Last evaluated: 2025-04-19. Review status: criteria provided, single submitter. Criteria: Ambry Variant Classification Scheme 2023. Collection method: clinical testing. Allele origin: germline.
Comment: The p.A334T variant (also known as c.1000G>A), located in coding exon 8 of the SDHA gene, results from a G to A substitution at nucleotide position 1000. The alanine at codon 334 is replaced by threonine, an amino acid with similar properties. This amino acid position is highly conserved in available vertebrate species. In addition, the in silico prediction for this alteration is inconclusive. Since supporting evidence is limited at this time, the clinical significance of this alteration remains unclear.

Baylor Genetics
Classification: Uncertain significance for Dilated cardiomyopathy 1GG. Last evaluated: 2023-12-11. Review status: criteria provided, single submitter. Criteria: ACMG Guidelines, 2015. Collection method: clinical testing. Allele origin: unknown.